The following is an entry in ClinVar:

ClinVar aggregate classification (germline): Uncertain significance (1 of 4 stars; one submission).

Submission:

Labcorp Genetics (formerly Invitae), Labcorp
Classification: Uncertain significance. Last evaluated: 2025-01-11. Review status: criteria provided, single submitter. Criteria: Invitae Variant Classification Sherloc (09022015). Collection method: clinical testing. Allele origin: germline.
Comment: This sequence change replaces isoleucine, which is neutral and non-polar, with threonine, which is neutral and polar, at codon 836 of the KL protein (p.Ile836Thr). This variant is not present in population databases (gnomAD no frequency). This variant has not been reported in the literature in individuals affected with KL-related conditions. Invitae Evidence Modeling of protein sequence and biophysical properties (such as structural, functional, and spatial information, amino acid conservation, physicochemical variation, residue mobility, and thermodynamic stability) indicates that this missense variant is not expected to disrupt KL protein function with a negative predictive value of 80%. In summary, the available evidence is currently insufficient to determine the role of this variant in disease. Therefore, it has been classified as a Variant of Uncertain Significance.

NM_004795.4(KL):c.2507T>C (p.Ile836Thr)

Gene: KL (klotho; plus strand). Cytogenetic location: 13q13.1.
Variant type: single nucleotide variant.
Coding change: c.2507T>C on transcript NM_004795.4 (MANE Select); coding-DNA position 2507, T replaced by C.
Protein change: p.Ile836Thr; replaces isoleucine 836 with threonine.
Molecular consequence: missense variant.
Genome position (GRCh38, 1-based): chr13:33,061,586, T>C. VCF-style: chr13-33061586-T-C. GRCh37 (hg19) VCF-style: chr13-33635723-T-C.
Other names: short protein forms I836T.
Identifiers: ClinVar variation 3678630 (VCV003678630.2).